The following is an entry in ClinVar:

NM_015272.5(RPGRIP1L):c.2450A>G (p.Tyr817Cys)

Gene: RPGRIP1L (RPGRIP1 like; minus strand). Cytogenetic location: 16q12.2.
Variant type: single nucleotide variant.
Coding change: c.2450A>G on transcript NM_015272.5 (MANE Select); coding-DNA position 2450, A replaced by G.
Protein change: p.Tyr817Cys; replaces tyrosine 817 with cysteine.
Molecular consequence: missense variant.
Genome position (GRCh38, 1-based): chr16:53,645,858, T>C on the plus strand (A>G on the coding strand, the complement: RPGRIP1L is on the minus strand). VCF-style: chr16-53645858-T-C. GRCh37 (hg19) VCF-style: chr16-53679770-T-C.
Other names: c.2450A>G, p.Tyr817Cys (NM_001127897.4, NM_001308334.3, NM_001330538.2); short protein forms Y817C.
Identifiers: ClinVar variation 3366660 (VCV003366660.1).

ClinVar aggregate classification (germline): Likely pathogenic (1 of 4 stars; one submission).

Conditions:
Joubert syndrome and related disorders. Identifiers: Orphanet 140874, MedGen C5679612, MONDO:0015369.

Submission:

Women's Health and Genetics/Laboratory Corporation of America, LabCorp
Classification: Likely pathogenic for Joubert syndrome and related disorders. Last evaluated: 2024-08-22. Review status: criteria provided, single submitter. Criteria: LabCorp Variant Classification Summary - May 2015. Collection method: clinical testing. Allele origin: germline.
Comment: Variant summary: RPGRIP1L c.2450A>G (p.Tyr817Cys) results in a non-conservative amino acid change located in the C2 domain (IPR000008) of the encoded protein sequence. Five of five in-silico tools predict a damaging effect of the variant on protein function. The variant was absent in 251346 control chromosomes. c.2450A>G has been reported in the literature in the homozygous state in 2 related individuals affected with clinical features of Joubert Syndrome And Related Disorders (example, Chaki_2011). These data indicate that the variant is likely to be associated with disease. To our knowledge, no experimental evidence demonstrating an impact on protein function has been reported. The following publication has been ascertained in the context of this evaluation (PMID: 21866095). No submitters have cited clinical-significance assessments for this variant to ClinVar. Based on the evidence outlined above, the variant was classified as likely pathogenic.

Literature cited by the submitters: PubMed 21866095.